The following is an entry in ClinVar:

ClinVar aggregate classification (germline): Uncertain significance (1 of 4 stars; one submission).

Conditions:
Early-infantile DEE. Also called: Ohtahara syndrome; Early infantile epileptic encephalopathy with suppression bursts; Early infantile epileptic encephalopathy. Identifiers: Orphanet 1934, MedGen C0393706, MONDO:0800491.

Submission:

Labcorp Genetics (formerly Invitae), Labcorp
Classification: Uncertain significance for Early-infantile DEE. Last evaluated: 2023-04-09. Review status: criteria provided, single submitter. Criteria: Invitae Variant Classification Sherloc (09022015). Collection method: clinical testing. Allele origin: germline.
Comment: In summary, the available evidence is currently insufficient to determine the role of this variant in disease. Therefore, it has been classified as a Variant of Uncertain Significance. Advanced modeling of protein sequence and biophysical properties (such as structural, functional, and spatial information, amino acid conservation, physicochemical variation, residue mobility, and thermodynamic stability) has been performed at Invitae for this missense variant, however the output from this modeling did not meet the statistical confidence thresholds required to predict the impact of this variant on SPTAN1 protein function. This variant has not been reported in the literature in individuals affected with SPTAN1-related conditions. This variant is not present in population databases (gnomAD no frequency). This sequence change replaces glutamic acid, which is acidic and polar, with glutamine, which is neutral and polar, at codon 1102 of the SPTAN1 protein (p.Glu1102Gln).

NM_001130438.3(SPTAN1):c.3304G>C (p.Glu1102Gln)

Gene: SPTAN1 (spectrin alpha, non-erythrocytic 1; plus strand). Cytogenetic location: 9q34.11.
Variant type: single nucleotide variant.
Coding change: c.3304G>C on transcript NM_001130438.3 (MANE Select); coding-DNA position 3304, G replaced by C.
Protein change: p.Glu1102Gln; replaces glutamic acid 1102 with glutamine.
Molecular consequence: missense variant.
Genome position (GRCh38, 1-based): chr9:128,594,263, G>C. VCF-style: chr9-128594263-G-C. GRCh37 (hg19) VCF-style: chr9-131356542-G-C.
Other names: c.3244G>C, p.Glu1082Gln (NM_001195532.2, NM_001363765.2, NM_001375314.2); c.3304G>C, p.Glu1102Gln (NM_001363759.2, NM_001375310.1, NM_001375311.2 and 2 more transcripts); c.3340G>C, p.Glu1114Gln (NM_001375312.2, NM_001375318.1); short protein forms E1102Q, E1114Q, E1082Q.
Identifiers: ClinVar variation 2854067 (VCV002854067.3), dbSNP rs2541452917, ClinGen allele CA375061917.
Genomic context (GRCh38, chr9:128,594,263, plus strand): 5'-AAGCGTAAAGGCATGTTGGAGAAGAGTTGCAAGAAGTTTATGTTGTTCCGTGAAGCGAAT[G>C]AACTACAGCAATGGATCAATGAGAAGGAAGCCGCTCTGACAAGTGAGGAGGTCGGAGCAG-3'
Protein context (NP_001123910.1, residues 1092-1112): KKFMLFREAN[Glu1102Gln]LQQWINEKEA